The following is an entry in ClinVar:

ClinVar aggregate classification (germline): Likely benign. Review status: criteria provided, single submitter (1 of 4 stars). 2 submissions from 2 submitters: Likely benign (1). 1 of the submissions does not count toward it. Last evaluated 2025-10-22.

Conditions:
HMCN1-related disorder. Also called: HMCN1-related condition.

Allele frequency attached by ClinVar (database versions not stated): ExAC 0.00002; gnomAD exomes 0.00004; gnomAD 0.00018 and 0.00020; TOPMed 0.00042.
gnomAD v4.1: 50 of 1,613,932 alleles (0.0031%); highest among the groups gnomAD compares: Admixed American, 0.065%; no homozygotes.

Submissions (2):

Labcorp Genetics (formerly Invitae), Labcorp
Classification: Likely benign. Last evaluated: 2025-10-22. Review status: criteria provided, single submitter. Criteria: Invitae Variant Classification Sherloc (09022015). Collection method: clinical testing. Allele origin: germline.

PreventionGenetics, part of Exact Sciences
Classification: Likely benign for HMCN1-related condition. Last evaluated: 2019-11-21. Review status: no assertion criteria provided. Collection method: clinical testing. Allele origin: germline. Not counted in ClinVar's aggregate classification.
Comment: This variant is classified as likely benign based on ACMG/AMP sequence variant interpretation guidelines (Richards et al. 2015 PMID: 25741868, with internal and published modifications).

NM_031935.3(HMCN1):c.2916T>G (p.Thr972=)

Gene: HMCN1 (hemicentin 1; plus strand). Cytogenetic location: 1q31.1.
Variant type: single nucleotide variant.
Coding change: c.2916T>G on transcript NM_031935.3 (MANE Select); coding-DNA position 2916, T replaced by G.
Protein change: p.Thr972=; no amino-acid change (threonine 972 retained).
Molecular consequence: synonymous variant.
Genome position (GRCh38, 1-based): chr1:185,984,294, T>G. VCF-style: chr1-185984294-T-G. GRCh37 (hg19) VCF-style: chr1-185953426-T-G.
Other names: c.2916T>G (NM_031935.2).
Identifiers: ClinVar variation 1674170 (VCV001674170.10), dbSNP rs200384314, ClinGen allele CA1291559.